The following is an entry in ClinVar:

ClinVar aggregate classification (germline): Uncertain significance (1 of 4 stars; one submission).

Submission:

Labcorp Genetics (formerly Invitae), Labcorp
Classification: Uncertain significance. Last evaluated: 2025-12-15. Review status: criteria provided, single submitter. Criteria: Invitae Variant Classification Sherloc (09022015). Collection method: clinical testing. Allele origin: germline.
Comment: This sequence change replaces arginine, which is basic and polar, with glutamine, which is neutral and polar, at codon 202 of the SLC36A2 protein (p.Arg202Gln). This variant is present in population databases (rs146165920, gnomAD 0.2%), and has an allele count higher than expected for a pathogenic variant. This variant has not been reported in the literature in individuals affected with SLC36A2-related conditions. Invitae Evidence Modeling of protein sequence and biophysical properties (such as structural, functional, and spatial information, amino acid conservation, physicochemical variation, residue mobility, and thermodynamic stability) indicates that this missense variant is not expected to disrupt SLC36A2 protein function with a negative predictive value of 80%. In summary, the available evidence is currently insufficient to determine the role of this variant in disease. Therefore, it has been classified as a Variant of Uncertain Significance.

NM_181776.3(SLC36A2):c.605G>A (p.Arg202Gln)

Gene: SLC36A2 (solute carrier family 36 member 2; minus strand). Cytogenetic location: 5q33.1.
Variant type: single nucleotide variant.
Coding change: c.605G>A on transcript NM_181776.3 (MANE Select); coding-DNA position 605, G replaced by A.
Protein change: p.Arg202Gln; replaces arginine 202 with glutamine.
Molecular consequence: missense variant.
Genome position (GRCh38, 1-based): chr5:151,335,468, C>T on the plus strand (G>A on the coding strand, the complement: SLC36A2 is on the minus strand). VCF-style: chr5-151335468-C-T. GRCh37 (hg19) VCF-style: chr5-150715029-C-T.
Other names: short protein forms R202Q.
Identifiers: ClinVar variation 4739727 (VCV004739727.1).
Genomic context (GRCh38, chr5:151,335,468, plus strand): 5'-CTGAGGTTCCGGATGAGGACCAGCAGCACCAGGAAGGGCAGGAAGGAGAGCATGTAGAGT[C>T]GCGAGTCCATGGTGGGGGTCAGAATCACCGTCTCATTGGAATAGCAGTTGTTGGTTGTGC-3'
Protein context (NP_861441.2, residues 192-212): TVILTPTMDS[Arg202Gln]LYMLSFLPFL